The following is an entry in ClinVar:

NM_033380.3(COL4A5):c.2807dup (p.Thr937fs)

Gene: COL4A5 (collagen type IV alpha 5 chain; plus strand). Cytogenetic location: Xq22.3.
Variant type: Duplication.
Coding change: c.2807dup on transcript NM_033380.3 (MANE Select); coding-DNA position 2807, one base duplicated (C; older notation c.2807dupC).
Protein change: p.Thr937fs; shifts the reading frame from threonine 937.
Molecular consequence: frameshift variant.
Genome position (GRCh38, 1-based): chrX:108,622,715, C duplicated; the last of 3 consecutive C bases (chrX:108,622,713-108,622,715); duplicating any one gives the same sequence. VCF-style (leftmost placement, unchanged base first): chrX-108622712-G-GC. GRCh37 (hg19) VCF-style: chrX-107865942-G-GC.
Other names: c.2807dup, p.Thr937fs (NM_000495.5); short protein forms T937fs.
Identifiers: ClinVar variation 5012190 (VCV005012190.1).

ClinVar aggregate classification (germline): Pathogenic (1 of 4 stars; one submission).

Conditions:
X-linked Alport syndrome (ATS1). Also called: NEPHROPATHY AND DEAFNESS, X-LINKED; COL4A5-Related Nephropathy. Identifiers: Orphanet 63, Orphanet 88917, MedGen C4746986, MONDO:0010520, OMIM 301050.

Submission:

Myriad Genetics, Inc.
Classification: Pathogenic for X-linked Alport syndrome. Last evaluated: 2023-09-27. Review status: criteria provided, single submitter. Criteria: Myriad Autosomal Dominant, Autosomal Recessive and X-Linked Classification Criteria (2023). Collection method: clinical testing. Allele origin: unknown.
Comment: NM_000495.4(COL4A5):c.2807dupC(T937Yfs*6) is expected to be pathogenic in the context of X-linked Alport syndrome. This variant is predicted to lead to an abnormal or absent protein product due to the creation of a premature termination codon in COL4A5, a gene where loss-of-function variants are known to be pathogenic. Please note: this variant was assessed in the context of healthy population screening.